The following is an entry in ClinVar:

ClinVar aggregate classification (germline): Uncertain significance (1 of 4 stars; one submission).

Allele frequency attached by ClinVar (database versions not stated): gnomAD exomes below 0.00001; TOPMed below 0.00001.
gnomAD v4.1: 1 of 1,552,154 alleles (0.000064%); highest among the groups gnomAD compares: Non-Finnish European, 0.000087%; no homozygotes.

Submission:

Labcorp Genetics (formerly Invitae), Labcorp
Classification: Uncertain significance. Last evaluated: 2022-03-13. Review status: criteria provided, single submitter. Criteria: Invitae Variant Classification Sherloc (09022015). Collection method: clinical testing. Allele origin: germline.
Comment: In summary, the available evidence is currently insufficient to determine the role of this variant in disease. Therefore, it has been classified as a Variant of Uncertain Significance. Algorithms developed to predict the effect of missense changes on protein structure and function are either unavailable or do not agree on the potential impact of this missense change (SIFT: "Deleterious"; PolyPhen-2: "Benign"; Align-GVGD: "Class C0"). This variant has not been reported in the literature in individuals affected with ZSWIM6-related conditions. This variant is not present in population databases (gnomAD no frequency). This sequence change replaces phenylalanine, which is neutral and non-polar, with valine, which is neutral and non-polar, at codon 554 of the ZSWIM6 protein (p.Phe554Val).

NM_020928.2(ZSWIM6):c.1660T>G (p.Phe554Val)

Gene: ZSWIM6 (zinc finger SWIM-type containing 6; plus strand). Cytogenetic location: 5q12.1.
Variant type: single nucleotide variant.
Coding change: c.1660T>G on transcript NM_020928.2 (MANE Select); coding-DNA position 1660, T replaced by G.
Protein change: p.Phe554Val; replaces phenylalanine 554 with valine.
Molecular consequence: missense variant.
Genome position (GRCh38, 1-based): chr5:61,525,946, T>G. VCF-style: chr5-61525946-T-G. GRCh37 (hg19) VCF-style: chr5-60821773-T-G.
Other names: short protein forms F554V.
Identifiers: ClinVar variation 1990312 (VCV001990312.4), dbSNP rs1749266013, ClinGen allele CA359943570.